The following is an entry in ClinVar:

NM_001447.3(FAT2):c.9930C>T (p.Asn3310=)

Genes: SLC36A1 (solute carrier family 36 member 1; plus strand), FAT2 (FAT atypical cadherin 2; minus strand). Cytogenetic location: 5q33.1.
Variant type: single nucleotide variant.
Coding change: c.9930C>T on transcript NM_001447.3 (MANE Select); coding-DNA position 9930, C replaced by T.
Protein change: p.Asn3310=; no amino-acid change (asparagine 3310 retained).
Molecular consequence: synonymous variant.
Genome position (GRCh38, 1-based): chr5:151,529,274, G>A on the plus strand (C>T on the coding strand, the complement: FAT2 is on the minus strand). VCF-style: chr5-151529274-G-A. GRCh37 (hg19) VCF-style: chr5-150908835-G-A.
Identifiers: ClinVar variation 787046 (VCV000787046.31), dbSNP rs73272071, ClinGen allele CA3520418.

ClinVar aggregate classification (germline): Benign/Likely benign. Review status: criteria provided, multiple submitters, no conflicts (2 of 4 stars). 2 submissions from 2 submitters: Benign (1); Likely benign (1). Last evaluated 2026-01-25.

Allele frequency attached by ClinVar (database versions not stated): gnomAD exomes 0.00021 and 0.00066; ExAC 0.00085; 1000 Genomes Project 30x 0.00156; 1000 Genomes Project 0.00160; gnomAD 0.00232 and 0.00260; TOPMed 0.00272; ESP Exome Variant Server 0.00292.
gnomAD v4.1: 682 of 1,614,118 alleles (0.042%); highest among the groups gnomAD compares: African/African-American, 0.8%; 7 homozygotes.

Submissions (2):

Labcorp Genetics (formerly Invitae), Labcorp
Classification: Benign. Last evaluated: 2026-01-25. Review status: criteria provided, single submitter. Criteria: Invitae Variant Classification Sherloc (09022015). Collection method: clinical testing. Allele origin: germline.

CeGaT Center for Human Genetics Tuebingen
Classification: Likely benign. Last evaluated: 2023-11-01. Review status: criteria provided, single submitter. Criteria: CeGaT Center For Human Genetics Tuebingen Variant Classification Criteria Version 2. Collection method: clinical testing. Allele origin: germline. Affected: yes. Observed: 3 variant alleles.
Comment: FAT2: BP4, BP7, BS2